The following is an entry in ClinVar:

NM_017780.4(CHD7):c.3517G>A (p.Glu1173Lys)

Gene: CHD7 (chromodomain helicase DNA binding protein 7; plus strand). Cytogenetic location: 8q12.2.
Variant type: single nucleotide variant.
Coding change: c.3517G>A on transcript NM_017780.4 (MANE Select); coding-DNA position 3517, G replaced by A.
Protein change: p.Glu1173Lys; replaces glutamic acid 1173 with lysine.
Molecular consequence: missense variant. On other transcripts: intron variant (1).
Genome position (GRCh38, 1-based): chr8:60,828,801, G>A. VCF-style: chr8-60828801-G-A. GRCh37 (hg19) VCF-style: chr8-61741360-G-A.
Other names: c.1717-33428G>A (NM_001316690.1); short protein forms E1173K.
Identifiers: ClinVar variation 1366364 (VCV001366364.8), dbSNP rs2150761372, ClinGen allele CA371314421.
Genomic context (GRCh38, chr8:60,828,801, plus strand): 5'-CCAAGTCGCTTCCCTTCAGAAACCACATTTATGCAAGAATTTGGTGATCTAAAAACAGAA[G>A]AGCAGGTATTTATCAGCTCCACTTTGTATTTCAGTTATAAAATTGAAGATTAGCCCATGA-3'
Protein context (NP_060250.2, residues 1163-1183): MQEFGDLKTE[Glu1173Lys]QVQKLQAILK

ClinVar aggregate classification (germline): Uncertain significance (1 of 4 stars; one submission).

Conditions:
CHARGE syndrome (CHARGE). Also called: Hittner Hirsch Kreh syndrome; CHARGE ASSOCIATION--COLOBOMA, HEART ANOMALY, CHOANAL ATRESIA, RETARDATION, GENITAL AND EAR ANOMALIES; Coloboma, heart anomaly, choanal atresia, retardation, genital and ear anomalies; CHARGE association; Hall-Hittner syndrome. Identifiers: Orphanet 138, MedGen C0265354, MONDO:0008965.

gnomAD v4.1: 1 of 1,613,164 alleles (0.000062%); highest among the groups gnomAD compares: Non-Finnish European, 0.000085%; no homozygotes.

Submission:

Labcorp Genetics (formerly Invitae), Labcorp
Classification: Uncertain significance for CHARGE syndrome. Last evaluated: 2022-08-23. Review status: criteria provided, single submitter. Criteria: Invitae Variant Classification Sherloc (09022015). Collection method: clinical testing. Allele origin: germline.
Comment: ClinVar contains an entry for this variant (Variation ID: 1366364). In summary, the available evidence is currently insufficient to determine the role of this variant in disease. Therefore, it has been classified as a Variant of Uncertain Significance. Algorithms developed to predict the effect of missense changes on protein structure and function are either unavailable or do not agree on the potential impact of this missense change (SIFT: "Deleterious"; PolyPhen-2: "Probably Damaging"; Align-GVGD: "Class C15"). This variant has not been reported in the literature in individuals affected with CHD7-related conditions. This variant is not present in population databases (gnomAD no frequency). This sequence change replaces glutamic acid, which is acidic and polar, with lysine, which is basic and polar, at codon 1173 of the CHD7 protein (p.Glu1173Lys).